The following is an entry in ClinVar:

ClinVar aggregate classification (germline): Uncertain significance. Review status: criteria provided, multiple submitters, no conflicts (2 of 4 stars). 5 submissions from 5 submitters: Uncertain significance (5). Last evaluated 2026-01-17.

Conditions:
Facial dysmorphism-immunodeficiency-livedo-short stature syndrome. Also called: Facial dysmorphism, immunodeficiency, livedo, and short stature; FILS syndrome. Identifiers: Orphanet 352712, MedGen C3554576, MONDO:0014058, OMIM 615139.
Colorectal cancer, susceptibility to, 12 (CRCS12). Also called: COLORECTAL CANCER, SUSCEPTIBILITY TO, ON CHROMOSOME 12q24. Identifiers: Orphanet 220460, MedGen C3554460, MONDO:0014038, OMIM 615083.
Intrauterine growth retardation, metaphyseal dysplasia, adrenal hypoplasia congenita, genital anomalies, and immunodeficiency. Also called: IMAGEI SYNDROME. Identifiers: MedGen C5193036, MONDO:0032684, OMIM 618336.
Hereditary cancer-predisposing syndrome. Also called: Neoplastic Syndromes, Hereditary; Tumor predisposition; Hereditary Cancer Syndrome; Hereditary neoplastic syndrome. Identifiers: Orphanet 140162, MedGen C0027672, MeSH D009386, MONDO:0015356.

Allele frequency attached by ClinVar (database versions not stated): TOPMed 0.00002; gnomAD 0.00008 and 0.00009; ESP Exome Variant Server 0.00015.
gnomAD v4.1: 19 of 1,614,070 alleles (0.0012%); highest among the groups gnomAD compares: African/African-American, 0.012%; no homozygotes.

Submissions (5):

Labcorp Genetics (formerly Invitae), Labcorp
Classification: Uncertain significance. Last evaluated: 2026-01-17. Review status: criteria provided, single submitter. Criteria: Invitae Variant Classification Sherloc (09022015). Collection method: clinical testing. Allele origin: germline.
Comment: This sequence change replaces serine, which is neutral and polar, with phenylalanine, which is neutral and non-polar, at codon 1242 of the POLE protein (p.Ser1242Phe). This variant is present in population databases (rs373213156, gnomAD 0.02%). This variant has not been reported in the literature in individuals affected with POLE-related conditions. ClinVar contains an entry for this variant (Variation ID: 473618). Invitae Evidence Modeling of protein sequence and biophysical properties (such as structural, functional, and spatial information, amino acid conservation, physicochemical variation, residue mobility, and thermodynamic stability) indicates that this missense variant is not expected to disrupt POLE protein function with a negative predictive value of 80%. In summary, the available evidence is currently insufficient to determine the role of this variant in disease. Therefore, it has been classified as a Variant of Uncertain Significance.

Ambry Genetics
Classification: Uncertain significance for Hereditary cancer-predisposing syndrome. Last evaluated: 2025-06-24. Review status: criteria provided, single submitter. Criteria: Ambry Variant Classification Scheme 2023. Collection method: clinical testing. Allele origin: germline.

GeneDx
Classification: Uncertain significance. Last evaluated: 2024-11-18. Review status: criteria provided, single submitter. Criteria: GeneDx Variant Classification Process June 2021. Collection method: clinical testing. Allele origin: germline. Affected: yes.
Comment: In silico analysis supports that this missense variant has a deleterious effect on protein structure/function; Has not been previously published as pathogenic or benign to our knowledge

Department of Pathology and Laboratory Medicine, Sinai Health System
Classification: Uncertain significance for Colorectal cancer, susceptibility to, 12; Facial dysmorphism-immunodeficiency-livedo-short stature syndrome; Intrauterine growth retardation, metaphyseal dysplasia, adrenal hypoplasia congenita, genital anomalies, and immunodeficiency. Last evaluated: 2024-11-04. Review status: criteria provided, single submitter. Criteria: ACMG Guidelines, 2015. Collection method: clinical testing. Allele origin: germline.

Breakthrough Genomics
Classification: Uncertain significance. Review status: criteria provided, single submitter. Criteria: ACMG Guidelines, 2015. Collection method: not provided. Allele origin: germline. Inheritance: Autosomal recessive inheritance. Affected: yes.

NM_006231.4(POLE):c.3725C>T (p.Ser1242Phe)

Gene: POLE (DNA polymerase epsilon, catalytic subunit; minus strand). Cytogenetic location: 12q24.33.
Variant type: single nucleotide variant.
Coding change: c.3725C>T on transcript NM_006231.4 (MANE Select); coding-DNA position 3725, C replaced by T.
Protein change: p.Ser1242Phe; replaces serine 1242 with phenylalanine.
Molecular consequence: missense variant.
Genome position (GRCh38, 1-based): chr12:132,649,747, G>A on the plus strand (C>T on the coding strand, the complement: POLE is on the minus strand). VCF-style: chr12-132649747-G-A. GRCh37 (hg19) VCF-style: chr12-133226333-G-A.
Other names: c.3725C>T (NM_006231.2); short protein forms S1242F.
Identifiers: ClinVar variation 473618 (VCV000473618.19), dbSNP rs373213156, ClinGen allele CA6893130.